The following is an entry in ClinVar:

NM_001330677.2(TBX15):c.1390G>A (p.Ala464Thr)

Gene: TBX15 (T-box transcription factor 15; minus strand). Cytogenetic location: 1p12.
Variant type: single nucleotide variant.
Coding change: c.1390G>A on transcript NM_001330677.2 (MANE Select); coding-DNA position 1390, G replaced by A.
Protein change: p.Ala464Thr; replaces alanine 464 with threonine.
Molecular consequence: missense variant.
Genome position (GRCh38, 1-based): chr1:118,885,151, C>T on the plus strand (G>A on the coding strand, the complement: TBX15 is on the minus strand). VCF-style: chr1-118885151-C-T. GRCh37 (hg19) VCF-style: chr1-119427774-C-T.
Other names: c.1072G>A, p.Ala358Thr (NM_152380.3); short protein forms A358T, A464T.
Identifiers: ClinVar variation 1949819 (VCV001949819.5), dbSNP rs1477390723, ClinGen allele CA341432612.
Genomic context (GRCh38, chr1:118,885,151, plus strand): 5'-CTGCCTGCATGACATACTGAAACTGGGAAGTGGGAAAGGACCCCAGCTGGCCACCGTAGG[C>T]TTCCATCTTGCTGTTGCCAGGCAACGAGGGAGGAGTTGGTATTCCTGAGATCAGGGATGG-3'
Protein context (NP_001317606.1, residues 454-474): PSLPGNSKME[Ala464Thr]YGGQLGSFPT

ClinVar aggregate classification (germline): Uncertain significance (1 of 4 stars; one submission).

Allele frequency attached by ClinVar (database versions not stated): gnomAD exomes 0.00001.

Submission:

Labcorp Genetics (formerly Invitae), Labcorp
Classification: Uncertain significance. Last evaluated: 2022-02-01. Review status: criteria provided, single submitter. Criteria: Invitae Variant Classification Sherloc (09022015). Collection method: clinical testing. Allele origin: germline.
Comment: This sequence change replaces alanine, which is neutral and non-polar, with threonine, which is neutral and polar, at codon 358 of the TBX15 protein (p.Ala358Thr). This variant is present in population databases (no rsID available, gnomAD 0.0009%). This variant has not been reported in the literature in individuals affected with TBX15-related conditions. Algorithms developed to predict the effect of missense changes on protein structure and function are either unavailable or do not agree on the potential impact of this missense change (SIFT: "Deleterious"; PolyPhen-2: "Benign"; Align-GVGD: "Class C0"). In summary, the available evidence is currently insufficient to determine the role of this variant in disease. Therefore, it has been classified as a Variant of Uncertain Significance.